The following is an entry in ClinVar:

NM_001082538.3(TCTN1):c.736A>T (p.Lys246Ter)

Gene: TCTN1 (tectonic family member 1; plus strand). Cytogenetic location: 12q24.11.
Variant type: single nucleotide variant.
Coding change: c.736A>T on transcript NM_001082538.3 (MANE Select); coding-DNA position 736, A replaced by T.
Protein change: p.Lys246Ter; replaces lysine 246 with a stop codon.
Molecular consequence: nonsense. On other transcripts: non-coding transcript variant (1), intron variant (1).
Genome position (GRCh38, 1-based): chr12:110,634,693, A>T. VCF-style: chr12-110634693-A-T. GRCh37 (hg19) VCF-style: chr12-111072498-A-T.
Other names: c.736A>T, p.Lys246Ter (NM_001082537.3, NM_001319680.2); c.568A>T, p.Lys190Ter (NM_001173975.3); c.556A>T, p.Lys186Ter (NM_001173976.2); c.202A>T, p.Lys68Ter (NM_001319681.2); c.780+230A>T (NM_024549.6); short protein forms K186*, K246*, K68*, K190*.
Identifiers: ClinVar variation 1410963 (VCV001410963.9), dbSNP rs748215804, ClinGen allele CA6786699.

ClinVar aggregate classification (germline): Pathogenic/Likely pathogenic. Review status: criteria provided, multiple submitters, no conflicts (2 of 4 stars). 3 submissions from 3 submitters: Pathogenic (2); Likely pathogenic (1). Last evaluated 2026-01-11.

Conditions:
TCTN1-related disorder. Also called: TCTN1-related condition.
Joubert syndrome. Also called: JOUBERT-BOLTSHAUSER SYNDROME; Familial aplasia of the vermis. Identifiers: Orphanet 475, MedGen C5979921, MONDO:0018772.
Meckel-Gruber syndrome. Also called: Dysencephalia splachnocystica; DYSENCEPHALIA SPLANCHNOCYSTICA; GRUBER SYNDROME. Identifiers: Orphanet 564, MedGen C0265215, MONDO:0018921.
Joubert syndrome 13 (JBTS13). Identifiers: Orphanet 475, MedGen C3280031, MONDO:0013608, OMIM 614173.

Allele frequency attached by ClinVar (database versions not stated): gnomAD 0.00001; gnomAD exomes 0.00001 and 0.00004; ExAC 0.00002; TOPMed 0.00002.
gnomAD v4.1: 54 of 1,610,808 alleles (0.0034%); highest among the groups gnomAD compares: Non-Finnish European, 0.0045%; no homozygotes.

Submissions (3):

Labcorp Genetics (formerly Invitae), Labcorp
Classification: Pathogenic for Joubert syndrome; Meckel-Gruber syndrome. Last evaluated: 2026-01-11. Review status: criteria provided, single submitter. Criteria: Invitae Variant Classification Sherloc (09022015). Collection method: clinical testing. Allele origin: germline.
Comment: This sequence change creates a premature translational stop signal (p.Lys246*) in the TCTN1 gene. It is expected to result in an absent or disrupted protein product. Loss-of-function variants in TCTN1 are known to be pathogenic (PMID: 21725307, 22693042, 27894351). This variant is present in population databases (rs748215804, gnomAD 0.003%). This variant has not been reported in the literature in individuals affected with TCTN1-related conditions. ClinVar contains an entry for this variant (Variation ID: 1410963). Algorithms developed to predict the effect of sequence changes on RNA splicing suggest that this variant may disrupt the consensus splice site. For these reasons, this variant has been classified as Pathogenic.

Blueprint Genetics
Classification: Likely pathogenic for TCTN1-related disorders. Last evaluated: 2024-09-05. Review status: criteria provided, single submitter. Criteria: ACMG Guidelines, 2015. Collection method: clinical testing. Allele origin: germline. Affected: yes. Observed: 2 variant alleles.

Dasa
Classification: Pathogenic for Joubert syndrome 13. Last evaluated: 2022-11-03. Review status: criteria provided, single submitter. Criteria: ACMG Guidelines, 2015. Collection method: clinical testing. Allele origin: germline. Observed: 1 variant allele.
Comment: The c.736A>T;p.Lys246* variant creates a premature translational stop signal in the TCTN1 gene. It is expected to result in an absent or disrupted protein product - PVS1. ClinVar contains an entry for this variant (Clinvar ID: 1410963) - PS4_supporting. The variant is present at low allele frequencies population databases (rs748215804 – gnomAD 0.0001225%; ABraOM no frequency) - PM2_supporting. In summary, the currently available evidence indicates that the variant is pathogenic.

Literature cited by the submitters: PubMed 21725307 (cited by Labcorp Genetics (formerly Invitae), Labcorp); PubMed 22693042 (cited by Labcorp Genetics (formerly Invitae), Labcorp); PubMed 27894351 (cited by Labcorp Genetics (formerly Invitae), Labcorp).